The following is an entry in ClinVar:

NM_006019.4(TCIRG1):c.1409G>C (p.Ser470Thr)

Gene: TCIRG1 (T cell immune regulator 1, ATPase H+ transporting V0 subunit a3; plus strand). Cytogenetic location: 11q13.2.
Variant type: single nucleotide variant.
Coding change: c.1409G>C on transcript NM_006019.4 (MANE Select); coding-DNA position 1409, G replaced by C.
Protein change: p.Ser470Thr; replaces serine 470 with threonine.
Molecular consequence: missense variant. On other transcripts: intron variant (2).
Genome position (GRCh38, 1-based): chr11:68,047,750, G>C. VCF-style: chr11-68047750-G-C. GRCh37 (hg19) VCF-style: chr11-67815217-G-C.
Other names: c.515G>C, p.Ser172Thr (NM_001351059.2); c.1409G>C, p.Ser470Thr (NM_001440552.1, NM_001440553.1, NM_001440554.1 and 2 more transcripts); c.1367G>C, p.Ser456Thr (NM_001440555.1, NM_001440556.1, NM_001440563.1); c.1196G>C, p.Ser399Thr (NM_001440559.1, NM_001440560.1, NM_001440561.1 and 2 more transcripts); c.1154G>C, p.Ser385Thr (NM_001440564.1); c.1109G>C, p.Ser370Thr (NM_001440565.1); c.941G>C, p.Ser314Thr (NM_001440568.1); c.761G>C, p.Ser254Thr (NM_006053.4); and 2 more; short protein forms S172T, S254T, S314T, S370T, S385T, S399T, S456T, S470T.
Identifiers: ClinVar variation 4797097 (VCV004797097.1).
Genomic context (GRCh38, chr11:68,047,750, plus strand): 5'-TGGGCCTGTTCTCCATCTACACCGGCTTCATCTACAACGAGTGCTTCAGTCGCGCCACCA[G>C]CATCTTCCCCTCGGGCTGGAGTGTGGCCGCCATGGCCAACCAGTCTGGCTGGAGGTGAGG-3'
Protein context (NP_006010.2, residues 460-480): IYNECFSRAT[Ser470Thr]IFPSGWSVAA

ClinVar aggregate classification (germline): Uncertain significance (1 of 4 stars; one submission).

Submission:

Labcorp Genetics (formerly Invitae), Labcorp
Classification: Uncertain significance. Last evaluated: 2025-06-29. Review status: criteria provided, single submitter. Criteria: Invitae Variant Classification Sherloc (09022015). Collection method: clinical testing. Allele origin: germline.
Comment: This sequence change replaces serine, which is neutral and polar, with threonine, which is neutral and polar, at codon 470 of the TCIRG1 protein (p.Ser470Thr). This variant is not present in population databases (gnomAD no frequency). This variant has not been reported in the literature in individuals affected with TCIRG1-related conditions. Invitae Evidence Modeling of protein sequence and biophysical properties (such as structural, functional, and spatial information, amino acid conservation, physicochemical variation, residue mobility, and thermodynamic stability) indicates that this missense variant is not expected to disrupt TCIRG1 protein function with a negative predictive value of 80%. In summary, the available evidence is currently insufficient to determine the role of this variant in disease. Therefore, it has been classified as a Variant of Uncertain Significance.